The following is an entry in ClinVar:

ClinVar aggregate classification (germline): Uncertain significance (1 of 4 stars; one submission).

Conditions:
Hereditary nonpolyposis colorectal neoplasms. Identifiers: MedGen C0009405, MeSH D003123.

Submission:

Labcorp Genetics (formerly Invitae), Labcorp
Classification: Uncertain significance for Hereditary nonpolyposis colorectal neoplasms. Last evaluated: 2024-08-28. Review status: criteria provided, single submitter. Criteria: Invitae Variant Classification Sherloc (09022015). Collection method: clinical testing. Allele origin: germline.
Comment: This sequence change replaces histidine, which is basic and polar, with glutamine, which is neutral and polar, at codon 367 of the MSH6 protein (p.His367Gln). This variant is not present in population databases (gnomAD no frequency). This variant has not been reported in the literature in individuals affected with MSH6-related conditions. Invitae Evidence Modeling of protein sequence and biophysical properties (such as structural, functional, and spatial information, amino acid conservation, physicochemical variation, residue mobility, and thermodynamic stability) has been performed for this missense variant. However, the output from this modeling did not meet the statistical confidence thresholds required to predict the impact of this variant on MSH6 protein function. In summary, the available evidence is currently insufficient to determine the role of this variant in disease. Therefore, it has been classified as a Variant of Uncertain Significance.

NM_000179.3(MSH6):c.1101T>A (p.His367Gln)

Gene: MSH6 (mutS homolog 6; plus strand). Cytogenetic location: 2p16.3.
Variant type: single nucleotide variant.
Coding change: c.1101T>A on transcript NM_000179.3 (MANE Select); coding-DNA position 1101, T replaced by A.
Protein change: p.His367Gln; replaces histidine 367 with glutamine.
Molecular consequence: missense variant. On other transcripts: non-coding transcript variant (4), intron variant (1).
Genome position (GRCh38, 1-based): chr2:47,799,084, T>A. VCF-style: chr2-47799084-T-A. GRCh37 (hg19) VCF-style: chr2-48026223-T-A.
Other names: c.804T>A, p.His268Gln (NM_001406819.1, NM_001406820.1, NM_001406821.1 and 10 more transcripts); c.195T>A, p.His65Gln (NM_001406823.1, NM_001406829.1, NM_001281493.2 and 6 more transcripts); c.933T>A, p.His311Gln (NM_001406826.1); c.628-1582T>A (NM_001407362.1); c.711T>A, p.His237Gln (NM_001281492.2); c.1197T>A, p.His399Gln (NM_001406795.1, NM_001406802.1); c.1101T>A, p.His367Gln (NM_001406796.1, NM_001406798.1, NM_001406800.1 and 4 more transcripts); c.576T>A, p.His192Gln (NM_001406799.1, NM_001406806.1, NM_001406807.1); and 2 more; short protein forms H192Q, H311Q, H341Q, H369Q, H65Q, H237Q, H268Q, H399Q.
Identifiers: ClinVar variation 3633919 (VCV003633919.2).